The following is an entry in ClinVar:

NC_000019.9:g.(?_48337701)_(48337820_?)dup

Gene: CRX (cone-rod homeobox; plus strand). Cytogenetic location: 19q13.33.
Variant type: Duplication.
Identifiers: ClinVar variation 3248513 (VCV003248513.1).

ClinVar aggregate classification (germline): Uncertain significance (1 of 4 stars; one submission).

Conditions:
Cone-rod dystrophy 2 (CORD2). Also called: CONE-ROD RETINAL DYSTROPHY; Cone-rod retinal dystrophy 2. Identifiers: Orphanet 1872, MedGen C3489532, MONDO:0007362, OMIM 120970.
Leber congenital amaurosis 7 (LCA7). Identifiers: Orphanet 65, MedGen C3151192, MONDO:0013449, OMIM 613829.

Submission:

Labcorp Genetics (formerly Invitae), Labcorp
Classification: Uncertain significance for Cone-rod dystrophy 2; Leber congenital amaurosis 7. Last evaluated: 2023-03-07. Review status: criteria provided, single submitter. Criteria: Invitae Variant Classification Sherloc (09022015). Collection method: clinical testing. Allele origin: unknown.
Comment: In summary, the available evidence is currently insufficient to determine the role of this variant in disease. Therefore, it has been classified as a Variant of Uncertain Significance. This variant has not been reported in the literature in individuals affected with CRX-related conditions. This variant results in a copy number gain of the genomic region encompassing exon(s) 2 of the CRX gene. This region includes the initiator codon of the gene. This copy number gain extends beyond the assayed region for this gene and therefore may encompass additional genes. As the precise location of this event is unknown, it may be in tandem or it may be located elsewhere in the genome.